The following is an entry in ClinVar:

ClinVar aggregate classification (germline): Uncertain significance (1 of 4 stars; one submission).

Conditions:
GNAS-related disorder. Identifiers: MedGen CN380105.

Submission:

PreventionGenetics, part of Exact Sciences
Classification: Uncertain significance for GNAS-related condition. Last evaluated: 2026-08-11. Review status: criteria provided, single submitter. Criteria: ACMG Guidelines, 2015. Collection method: clinical testing. Allele origin: germline.
Comment: The GNAS c.77C>A variant is predicted to result in the amino acid substitution p.Pro26His. To our knowledge, this variant has not been reported in the literature or in a large population database (gnomAD), indicating this variant is rare. At this time, the clinical significance of this variant is uncertain due to the absence of conclusive functional and genetic evidence.

NM_080425.4(GNAS):c.77C>A (p.Pro26His)

Gene: GNAS (GNAS complex locus; plus strand). Cytogenetic location: 20q13.32.
Variant type: single nucleotide variant.
Coding change: c.77C>A on transcript NM_080425.4 (MANE Plus Clinical); coding-DNA position 77, C replaced by A.
Protein change: p.Pro26His; replaces proline 26 with histidine.
Molecular consequence: missense variant. On other transcripts: 5 prime UTR variant (2), intron variant (3).
Genome position (GRCh38, 1-based): chr20:58,853,342, C>A. VCF-style: chr20-58853342-C-A. GRCh37 (hg19) VCF-style: chr20-57428397-C-A.
Other names: c.-111C>A (NM_001077490.3, NM_001309883.1); c.77C>A, p.Pro26His (NM_001410913.1); c.*42+12456C>A (NM_016592.5); c.43+12456C>A (NM_001410912.1); c.-39+11467C>A (NM_001309861.2); short protein forms P26H.
Identifiers: ClinVar variation 4995787 (VCV004995787.1).